The following is an entry in ClinVar:

ClinVar aggregate classification (germline): Uncertain significance (1 of 4 stars; one submission).

Conditions:
Intellectual disability-strabismus syndrome (NEDBGF). Also called: NEURODEVELOPMENTAL DISORDER WITH BRAIN ABNORMALITIES, POOR GROWTH, AND DYSMORPHIC FACIES. Identifiers: Orphanet 363528, MedGen C4750838, MONDO:0014119, OMIM 615286.

Submission:

Baylor Genetics
Classification: Uncertain significance for Intellectual disability-strabismus syndrome. Last evaluated: 2018-10-15. Review status: criteria provided, single submitter. Criteria: ACMG Guidelines, 2015. Collection method: clinical testing. Allele origin: paternal. Affected: yes.
Comment: This variant was determined to be of uncertain significance according to ACMG Guidelines, 2015 [PMID:25741868].

NM_138422.4(ADAT3):c.897C>G (p.Asp299Glu)

Genes: ADAT3 (adenosine deaminase tRNA specific 3; plus strand), SCAMP4 (secretory carrier membrane protein 4; plus strand). Cytogenetic location: 19p13.3.
Variant type: single nucleotide variant.
Coding change: c.897C>G on transcript NM_138422.4 (MANE Select); coding-DNA position 897, C replaced by G.
Protein change: p.Asp299Glu; replaces aspartic acid 299 with glutamic acid.
Molecular consequence: missense variant. On other transcripts: intron variant (3).
Genome position (GRCh38, 1-based): chr19:1,912,944, C>G. VCF-style: chr19-1912944-C-G. GRCh37 (hg19) VCF-style: chr19-1912943-C-G.
Other names: c.849C>G, p.Asp283Glu (NM_001329533.2); c.-41-2035C>G (NM_079834.4, NM_001329540.2); c.-125-4750C>G (NM_001329539.2); short protein forms D299E, D283E.
Identifiers: ClinVar variation 1033078 (VCV001033078.1), dbSNP rs757728126, ClinGen allele CA403172958.
Genomic context (GRCh38, chr19:1,912,944, plus strand): 5'-CGCCGTGCGTAAACTGGACGCAGACGAGGACGGCCTCCCCTACCTGTGCACTGGCTACGA[C>G]CTGTACGTGACCCGCGAGCCCTGCGCCATGTGCGCCATGGCCCTGGTGCACGCACGCATC-3'
Protein context (NP_612431.2, residues 289-309): DGLPYLCTGY[Asp299Glu]LYVTREPCAM